The following is an entry in ClinVar:

NM_001379500.1(COL18A1):c.1080_1081dup (p.Cys361fs)

Gene: COL18A1 (collagen type XVIII alpha 1 chain; plus strand). Cytogenetic location: 21q22.3.
Variant type: Duplication.
Coding change: c.1080_1081dup on transcript NM_001379500.1 (MANE Select); coding-DNA positions 1080 to 1081, 2 bases duplicated (AT; older notation c.1080_1081dupAT).
Protein change: p.Cys361fs; shifts the reading frame from cysteine 361.
Molecular consequence: frameshift variant.
Genome position (GRCh38, 1-based): chr21:45,477,824-45,477,825, AT duplicated. VCF-style (leftmost placement, unchanged base first): chr21-45477823-C-CAT. GRCh37 (hg19) VCF-style: chr21-46897737-C-CAT.
Other names: c.1620_1621dup, p.Cys541fs (NM_030582.4); c.2325_2326dup, p.Cys776fs (NM_130444.3); short protein forms C776fs, C361fs, C541fs.
Identifiers: ClinVar variation 2878103 (VCV002878103.3), dbSNP rs2517607780, ClinGen allele CA2654909941.

ClinVar aggregate classification (germline): Pathogenic (1 of 4 stars; one submission).

Allele frequency attached by ClinVar (database versions not stated): gnomAD exomes below 0.00001.

Submission:

Labcorp Genetics (formerly Invitae), Labcorp
Classification: Pathogenic. Last evaluated: 2024-02-16. Review status: criteria provided, single submitter. Criteria: Invitae Variant Classification Sherloc (09022015). Collection method: clinical testing. Allele origin: germline.
Comment: This sequence change creates a premature translational stop signal (p.Cys361Tyrfs*13) in the COL18A1 gene. It is expected to result in an absent or disrupted protein product. Loss-of-function variants in COL18A1 are known to be pathogenic (PMID: 12415512, 25456301). This variant is not present in population databases (gnomAD no frequency). This variant has not been reported in the literature in individuals affected with COL18A1-related conditions. For these reasons, this variant has been classified as Pathogenic.

Literature cited by the submitters: PubMed 12415512; PubMed 25456301.